The following is an entry in ClinVar:

NM_001127208.3(TET2):c.5599A>G (p.Thr1867Ala)

Genes: TET2 (tet methylcytosine dioxygenase 2; plus strand), TET2-AS1 (TET2 antisense RNA 1; minus strand). Cytogenetic location: 4q24.
Variant type: single nucleotide variant.
Coding change: c.5599A>G on transcript NM_001127208.3 (MANE Select); coding-DNA position 5599, A replaced by G.
Protein change: p.Thr1867Ala; replaces threonine 1867 with alanine.
Molecular consequence: missense variant.
Genome position (GRCh38, 1-based): chr4:105,276,109, A>G. VCF-style: chr4-105276109-A-G. GRCh37 (hg19) VCF-style: chr4-106197266-A-G.
Other names: short protein forms T1867A.
Identifiers: ClinVar variation 1337909 (VCV001337909.4), dbSNP rs1731208938, ClinGen allele CA357795804.

ClinVar aggregate classification (germline): Uncertain significance (1 of 4 stars; one submission).

Allele frequency attached by ClinVar (database versions not stated): gnomAD exomes below 0.00001; TOPMed below 0.00001; gnomAD 0.00001.
gnomAD v4.1: 3 of 1,551,474 alleles (0.00019%); highest among the groups gnomAD compares: Admixed American, 0.002%; no homozygotes.

Submission:

Genetic Services Laboratory, University of Chicago
Classification: Uncertain significance. Last evaluated: 2021-04-19. Review status: criteria provided, single submitter. Criteria: ACMG Guidelines, 2015. Collection method: clinical testing. Allele origin: germline. Affected: no.
Comment: DNA sequence analysis of the TET2 gene demonstrated a sequence change, c.5599A>G, in exon 11 that results in an amino acid change, p.Thr1867Ala. This sequence change is absent from known population databases (gnomAD). The p.Thr1867Ala change affects a moderately conserved amino acid residue located in a domain of the TET2 protein that is not known to be functional. The p.Thr1867Ala substitution appears to be benign using several in-silico pathogenicity prediction tools (SIFT, PolyPhen2, Align GVGD, REVEL). This sequence change does not appear to have been previously described in patients with TET2-related disorders. Due to the lack of sufficient evidences, the clinical significance of the p.Thr1867Ala change remains unknown at this time.